The following is an entry in ClinVar:

ClinVar aggregate classification (germline): Pathogenic (1 of 4 stars; one submission).

Conditions:
Tyrosinemia type I (TYRSN1). Also called: Tyrosinemia type 1; Fumarylacetoacetase deficiency; Deficiency of fumarylacetoacetase; HEPATORENAL TYROSINEMIA; FAH DEFICIENCY. Identifiers: Orphanet 882, MedGen C0268490, MONDO:0010161, OMIM 276700. Disease mechanism: loss of function.

Submission:

Labcorp Genetics (formerly Invitae), Labcorp
Classification: Pathogenic for Tyrosinemia type I. Last evaluated: 2023-06-13. Review status: criteria provided, single submitter. Criteria: Invitae Variant Classification Sherloc (09022015). Collection method: clinical testing. Allele origin: unknown.
Comment: For these reasons, this variant has been classified as Pathogenic. This variant has not been reported in the literature in individuals affected with FAH-related conditions. This variant results in the deletion of exon 2 and part of exon 1 (c.-12_192+236del) of the FAH gene. It is expected to result in an absent or disrupted protein product. Loss-of-function variants in FAH are known to be pathogenic (PMID: 9101289, 9633815).

Literature cited by the submitters: PubMed 9101289; PubMed 9633815.

NC_000015.9:g.(?_80445385)_(80450748_?)del

Gene: FAH (fumarylacetoacetate hydrolase; plus strand). Cytogenetic location: 15q25.1.
Variant type: Deletion.
Identifiers: ClinVar variation 3243760 (VCV003243760.1).